The following is an entry in ClinVar:

NM_020376.4(PNPLA2):c.866A>G (p.Gln289Arg)

Gene: PNPLA2 (patatin like domain 2, triacylglycerol lipase; plus strand). Cytogenetic location: 11p15.5.
Variant type: single nucleotide variant.
Coding change: c.866A>G on transcript NM_020376.4 (MANE Select); coding-DNA position 866, A replaced by G.
Protein change: p.Gln289Arg; replaces glutamine 289 with arginine.
Molecular consequence: missense variant.
Genome position (GRCh38, 1-based): chr11:823,802, A>G. VCF-style: chr11-823802-A-G. GRCh37 (hg19) VCF-style: chr11-823802-A-G.
Other names: short protein forms Q289R.
Identifiers: ClinVar variation 2068052 (VCV002068052.4), dbSNP rs749056560, ClinGen allele CA5791204.

ClinVar aggregate classification (germline): Uncertain significance (1 of 4 stars; one submission).

Conditions:
Neutral lipid storage myopathy (NLSDM). Also called: NEUTRAL LIPID STORAGE DISEASE WITHOUT ICHTHYOSIS. Identifiers: Orphanet 98908, MedGen C1853136, MONDO:0012545, OMIM 610717.

Submission:

Labcorp Genetics (formerly Invitae), Labcorp
Classification: Uncertain significance for Neutral lipid storage myopathy. Last evaluated: 2022-07-19. Review status: criteria provided, single submitter. Criteria: Invitae Variant Classification Sherloc (09022015). Collection method: clinical testing. Allele origin: germline.
Comment: In summary, the available evidence is currently insufficient to determine the role of this variant in disease. Therefore, it has been classified as a Variant of Uncertain Significance. Algorithms developed to predict the effect of missense changes on protein structure and function (SIFT, PolyPhen-2, Align-GVGD) all suggest that this variant is likely to be tolerated. This variant has not been reported in the literature in individuals affected with PNPLA2-related conditions. This variant is not present in population databases (gnomAD no frequency). This sequence change replaces glutamine, which is neutral and polar, with arginine, which is basic and polar, at codon 289 of the PNPLA2 protein (p.Gln289Arg).